The following is an entry in ClinVar:

NM_012469.4(PRPF6):c.883C>T (p.Arg295Ter)

Gene: PRPF6 (pre-mRNA processing factor 6; plus strand). Cytogenetic location: 20q13.33.
Variant type: single nucleotide variant.
Coding change: c.883C>T on transcript NM_012469.4 (MANE Select); coding-DNA position 883, C replaced by T.
Protein change: p.Arg295Ter; replaces arginine 295 with a stop codon.
Molecular consequence: nonsense.
Genome position (GRCh38, 1-based): chr20:63,999,619, C>T. VCF-style: chr20-63999619-C-T. GRCh37 (hg19) VCF-style: chr20-62630972-C-T.
Other names: short protein forms R295*.
Identifiers: ClinVar variation 1964928 (VCV001964928.5), dbSNP rs1344492269, ClinGen allele CA409718542.
Genomic context (GRCh38, chr20:63,999,619, plus strand): 5'-CCTGACAGCATGGCCTGATGCCGTGTGCACTCTCCCTCTCATAGTGATATCAAGAAGGCG[C>T]GACTGCTCCTCAAGTCTGTTCGGGAGACGAACCCTCATCACCCGCCAGCCTGGATTGCAT-3'

ClinVar aggregate classification (germline): Uncertain significance (1 of 4 stars; one submission).

Allele frequency attached by ClinVar (database versions not stated): TOPMed below 0.00001.

Submission:

Labcorp Genetics (formerly Invitae), Labcorp
Classification: Uncertain significance. Last evaluated: 2022-03-10. Review status: criteria provided, single submitter. Criteria: Invitae Variant Classification Sherloc (09022015). Collection method: clinical testing. Allele origin: germline.
Comment: In summary, the available evidence is currently insufficient to determine the role of this variant in disease. Therefore, it has been classified as a Variant of Uncertain Significance. This variant has not been reported in the literature in individuals affected with PRPF6-related conditions. This variant is present in population databases (no rsID available, gnomAD no frequency). This sequence change creates a premature translational stop signal (p.Arg295*) in the PRPF6 gene. It is expected to result in an absent or disrupted protein product. However, the current clinical and genetic evidence is not sufficient to establish whether loss-of-function variants in PRPF6 cause disease.